The following is an entry in ClinVar:

ClinVar aggregate classification (germline): Likely benign (1 of 4 stars; one submission).

Allele frequency attached by ClinVar (database versions not stated): gnomAD exomes 0.00075; gnomAD 0.00746; 1000 Genomes Project 0.00759; 1000 Genomes Project 30x 0.00796; TOPMed 0.00802.
gnomAD v4.1: 1,969 of 1,232,244 alleles (0.16%); highest among the groups gnomAD compares: African/African-American, 2.6%; 15 homozygotes.

Submission:

GeneDx
Classification: Likely benign. Last evaluated: 2021-05-11. Review status: criteria provided, single submitter. Criteria: GeneDx Variant Classification Process June 2021. Collection method: clinical testing. Allele origin: germline. Affected: yes.
Comment: See Variant Classification Assertion Criteria.

NM_001081.4(CUBN):c.6647-98A>T

Gene: CUBN (cubilin; minus strand). Cytogenetic location: 10p13.
Variant type: single nucleotide variant.
Coding change: c.6647-98A>T on transcript NM_001081.4 (MANE Select); 98 bases into the intron before coding-DNA position 6647, A replaced by T.
Molecular consequence: intron variant.
Genome position (GRCh38, 1-based): chr10:16,920,235, T>A on the plus strand (A>T on the coding strand, the complement: CUBN is on the minus strand). VCF-style: chr10-16920235-T-A. GRCh37 (hg19) VCF-style: chr10-16962234-T-A.
Identifiers: ClinVar variation 1707232 (VCV001707232.2), dbSNP rs12260820, ClinGen allele CA203572442.